The following is an entry in ClinVar:

ClinVar aggregate classification (germline): Pathogenic. Review status: criteria provided, multiple submitters, no conflicts (2 of 4 stars). 2 submissions from 2 submitters: Pathogenic (2). Last evaluated 2024-02-17.

Conditions:
Familial cancer of breast. Also called: Hereditary breast cancer; BREAST CANCER, FAMILIAL; hereditary breast carcinoma. Identifiers: Orphanet 227535, MedGen C0346153, MONDO:0016419, OMIM 114480. Disease mechanism: loss of function.
Ataxia-telangiectasia syndrome (AT). Also called: Ataxia telangiectasia (A-T); Ataxia-telangiectasia, complementation group D; Ataxia-telangiectasia, complementation group E; LOUIS-BAR SYNDROME; Cerebello-oculocutaneous telangiectasia; Immunodeficiency with ataxia telangiectasia. Identifiers: Orphanet 100, MedGen C0004135, MONDO:0008840, OMIM 208900.

Submissions (2):

Labcorp Genetics (formerly Invitae), Labcorp
Classification: Pathogenic for Ataxia-telangiectasia syndrome. Last evaluated: 2024-02-17. Review status: criteria provided, single submitter. Criteria: Invitae Variant Classification Sherloc (09022015). Collection method: clinical testing. Allele origin: germline.
Comment: This sequence change creates a premature translational stop signal (p.Leu1488*) in the ATM gene. It is expected to result in an absent or disrupted protein product. Loss-of-function variants in ATM are known to be pathogenic (PMID: 23807571, 25614872). This variant is not present in population databases (gnomAD no frequency). This variant has not been reported in the literature in individuals affected with ATM-related conditions. For these reasons, this variant has been classified as Pathogenic.

Myriad Genetics, Inc.
Classification: Pathogenic for Familial cancer of breast. Last evaluated: 2024-01-24. Review status: criteria provided, single submitter. Criteria: Myriad Autosomal Dominant, Autosomal Recessive and X-Linked Classification Criteria (2023). Collection method: clinical testing. Allele origin: unknown.
Comment: This variant is considered pathogenic. This variant creates a termination codon and is predicted to result in premature protein truncation.

Literature cited by the submitters: PubMed 23807571 (cited by Labcorp Genetics (formerly Invitae), Labcorp); PubMed 25614872 (cited by Labcorp Genetics (formerly Invitae), Labcorp).

NM_000051.4(ATM):c.4463T>G (p.Leu1488Ter)

Gene: ATM (ATM serine/threonine kinase; plus strand). Cytogenetic location: 11q22.3.
Variant type: single nucleotide variant.
Coding change: c.4463T>G on transcript NM_000051.4 (MANE Select); coding-DNA position 4463, T replaced by G.
Protein change: p.Leu1488Ter; replaces leucine 1488 with a stop codon.
Molecular consequence: nonsense.
Genome position (GRCh38, 1-based): chr11:108,292,645, T>G. VCF-style: chr11-108292645-T-G. GRCh37 (hg19) VCF-style: chr11-108163372-T-G.
Other names: c.4463T>G, p.Leu1488Ter (NM_001351834.2); short protein forms L1488*.
Identifiers: ClinVar variation 3148041 (VCV003148041.3), dbSNP rs2135797993, ClinGen allele CA382533084.
Genomic context (GRCh38, chr11:108,292,645, plus strand): 5'-TGGTTGTTGTTGTTTTTTTTTCTCCCTATATTAGGCCTTCTTGTATCATGGATGTGTCAT[T>G]ACGTAGCTTCTCCCTTTGTTGTGACTTATTAAGTCAGGTTTGCCAGACAGCCGTGACTTA-3'